The following is an entry in ClinVar:

NM_004531.5(MOCS2):c.77A>T (p.Asp26Val)

Gene: MOCS2 (molybdenum cofactor synthesis 2; minus strand). Cytogenetic location: 5q11.2.
Variant type: single nucleotide variant.
Coding change: c.77A>T on transcript NM_004531.5 (MANE Select); coding-DNA position 77, A replaced by T.
Protein change: p.Asp26Val; replaces aspartic acid 26 with valine.
Molecular consequence: missense variant. On other transcripts: synonymous variant (1).
Genome position (GRCh38, 1-based): chr5:53,107,098, T>A on the plus strand (A>T on the coding strand, the complement: MOCS2 is on the minus strand). VCF-style: chr5-53107098-T-A. GRCh37 (hg19) VCF-style: chr5-52402928-T-A.
Other names: c.264A>T, p.Gly88= (NM_176806.4); c.77A>T, p.Asp26Val (NM_183418.1); short protein forms D26V.
Identifiers: ClinVar variation 2044036 (VCV002044036.2), dbSNP rs2478613079, ClinGen allele CA359693661.

ClinVar aggregate classification (germline): Uncertain significance (1 of 4 stars; one submission).

Submission:

Labcorp Genetics (formerly Invitae), Labcorp
Classification: Uncertain significance. Last evaluated: 2021-12-15. Review status: criteria provided, single submitter. Criteria: Invitae Variant Classification Sherloc (09022015). Collection method: clinical testing. Allele origin: germline.
Comment: The MOCS2 gene encodes two different proteins, MOCS2A and MOCS2B, which are translated from alternative transcripts that have different open reading frames. In summary, the available evidence is currently insufficient to determine the role of this variant in disease. Therefore, it has been classified as a Variant of Uncertain Significance. Algorithms developed to predict the effect of sequence changes on RNA splicing suggest that this variant may create or strengthen a splice site. Algorithms developed to predict the effect of missense changes on protein structure and function (SIFT, PolyPhen-2, Align-GVGD) all suggest that p.Asp26Val in MOCS2B is likely to be tolerated. This variant has not been reported in the literature in individuals affected with MOCS2B-related conditions. This variant is not present in population databases (gnomAD no frequency). This sequence change affects codon 88 of the MOCS2A mRNA. It is a 'silent' change, meaning that it does not change the encoded amino acid sequence of the MOCS2A protein. This sequence change replaces aspartic acid, which is acidic and polar, with valine, which is neutral and non-polar, at codon 26 of the MOCS2B protein (p.Asp26Val).